The following is an entry in ClinVar:

NM_000465.4(BARD1):c.2157_2160dup (p.Ala721fs)

Gene: BARD1 (BRCA1 associated RING domain 1; minus strand). Cytogenetic location: 2q35.
Variant type: Duplication.
Coding change: c.2157_2160dup on transcript NM_000465.4 (MANE Select); coding-DNA positions 2157 to 2160, 4 bases duplicated (AGTC; older notation c.2157_2160dupAGTC).
Protein change: p.Ala721fs; shifts the reading frame from alanine 721.
Molecular consequence: frameshift variant. On other transcripts: non-coding transcript variant (3).
Genome position (GRCh38, 1-based): chr2:214,728,850-214,728,853, GACT duplicated on the plus strand (AGTC on the coding strand, the reverse complement: BARD1 is on the minus strand); duplicating any 4 consecutive bases within chr2:214,728,850-214,728,854 gives the same sequence; the c. name uses the placement nearest the transcript's 3' end. VCF-style (leftmost placement, unchanged base first): chr2-214728849-C-CGACT. GRCh37 (hg19) VCF-style: chr2-215593573-C-CGACT.
Other names: c.2100_2103dup, p.Ala702fs (NM_001282543.2); c.804_807dup, p.Ala270fs (NM_001282545.2); c.747_750dup, p.Ala251fs (NM_001282548.2); c.618_621dup, p.Ala208fs (NM_001282549.2); short protein forms A208fs, A251fs, A270fs, A702fs, A721fs.
Identifiers: ClinVar variation 2583348 (VCV002583348.2), dbSNP rs2469269625, ClinGen allele CA2582342081.

ClinVar aggregate classification (germline): Pathogenic (1 of 4 stars; one submission).

Conditions:
Familial cancer of breast. Also called: Hereditary breast cancer; BREAST CANCER, FAMILIAL; hereditary breast carcinoma. Identifiers: Orphanet 227535, MedGen C0346153, MONDO:0016419, OMIM 114480. Disease mechanism: loss of function.

Submission:

Myriad Genetics, Inc.
Classification: Pathogenic for Familial cancer of breast. Last evaluated: 2023-05-25. Review status: criteria provided, single submitter. Criteria: Myriad Autosomal Dominant, Autosomal Recessive and X-Linked Classification Criteria (2023). Collection method: clinical testing. Allele origin: unknown.
Comment: This variant is considered pathogenic. This variant creates a frameshift predicted to result in premature protein truncation.